The following is an entry in ClinVar:

NM_007214.5(SEC63):c.340-6_340-5dup

Gene: SEC63 (SEC63 protein translocation regulator; minus strand). Cytogenetic location: 6q21.
Variant type: Duplication.
Coding change: c.340-6_340-5dup on transcript NM_007214.5 (MANE Select); 6 bases into the intron before coding-DNA position 340 through 5 bases into the intron before coding-DNA position 340, 2 bases duplicated (CC; older notation c.340-6_340-5dupCC).
Molecular consequence: intron variant.
Genome position (GRCh38, 1-based): chr6:107,921,912-107,921,913, GG duplicated on the plus strand (CC on the coding strand, the reverse complement: SEC63 is on the minus strand); duplicating any 2 consecutive bases within chr6:107,921,912-107,921,915 gives the same sequence; the c. name uses the placement nearest the transcript's 3' end. VCF-style (leftmost placement, unchanged base first): chr6-107921911-T-TGG. GRCh37 (hg19) VCF-style: chr6-108243115-T-TGG.
Other names: p.?; c.340-4_340-3dup (NM_007214.5).
Identifiers: ClinVar variation 354911 (VCV000354911.8), dbSNP rs142388422, ClinGen allele CA3947732.

ClinVar aggregate classification (germline): Likely benign. Review status: criteria provided, single submitter (1 of 4 stars). 2 submissions from 2 submitters: Likely benign (1). 1 of the submissions does not count toward it. Last evaluated 2025-10-02.

Conditions:
SEC63-related disorder. Also called: SEC63-related condition.

Submissions (2):

Mayo Clinic Laboratories, Mayo Clinic
Classification: Likely benign. Last evaluated: 2025-10-02. Review status: criteria provided, single submitter. Criteria: ACMG Guidelines, 2015. Collection method: clinical testing. Allele origin: germline. Observed: 1 variant allele.

PreventionGenetics, part of Exact Sciences
Classification: Likely benign for SEC63-related condition. Last evaluated: 2020-03-27. Review status: no assertion criteria provided. Collection method: clinical testing. Allele origin: germline. Not counted in ClinVar's aggregate classification.
Comment: This variant is classified as likely benign based on ACMG/AMP sequence variant interpretation guidelines (Richards et al. 2015 PMID: 25741868, with internal and published modifications).